The following is an entry in ClinVar:

ClinVar aggregate classification (germline): Uncertain significance (1 of 4 stars; one submission).

Submission:

GeneDx
Classification: Uncertain significance. Last evaluated: 2023-03-21. Review status: criteria provided, single submitter. Criteria: GeneDx Variant Classification Process June 2021. Collection method: clinical testing. Allele origin: germline. Affected: yes.
Comment: Not observed at significant frequency in large population cohorts (gnomAD); In silico analysis supports that this missense variant has a deleterious effect on protein structure/function; Has not been previously published as pathogenic or benign to our knowledge

NM_012154.5(AGO2):c.113T>G (p.Ile38Ser)

Gene: AGO2 (argonaute RISC catalytic component 2; minus strand). Cytogenetic location: 8q24.3.
Variant type: single nucleotide variant.
Coding change: c.113T>G on transcript NM_012154.5 (MANE Select); coding-DNA position 113, T replaced by G.
Protein change: p.Ile38Ser; replaces isoleucine 38 with serine.
Molecular consequence: missense variant.
Genome position (GRCh38, 1-based): chr8:140,585,221, A>C on the plus strand (T>G on the coding strand, the complement: AGO2 is on the minus strand). VCF-style: chr8-140585221-A-C. GRCh37 (hg19) VCF-style: chr8-141595320-A-C.
Other names: c.113T>G, p.Ile38Ser (NM_001164623.3); short protein forms I38S.
Identifiers: ClinVar variation 2580530 (VCV002580530.1), dbSNP rs2549641761, ClinGen allele CA372327042.